The following is an entry in ClinVar:

NM_001750.7(CAST):c.2037+26_2037+28del

Genes: CAST (calpastatin; plus strand), ERAP1 (endoplasmic reticulum aminopeptidase 1; minus strand). Cytogenetic location: 5q15.
Variant type: Deletion.
Coding change: c.2037+26_2037+28del on transcript NM_001750.7 (MANE Select); bases 26 to 28 of the intron after coding-DNA position 2037, 3 bases deleted (AAA; older notation c.2037+26_2037+28delAAA).
Molecular consequence: intron variant.
Genome position (GRCh38, 1-based): chr5:96,765,351-96,765,353, AAA deleted; deleting any 3 consecutive bases within chr5:96,765,328-96,765,353 gives the same sequence; the c. name uses the placement nearest the transcript's 3' end. VCF-style (leftmost placement, unchanged base first): chr5-96765327-TAAA-T. GRCh37 (hg19) VCF-style: chr5-96101031-TAAA-T.
Other names: c.1749+26_1749+28delAAA (NM_001190442.1); c.1683+26_1683+28del (NM_001423257.1, NM_001042445.3, NM_001423255.1 and 2 more transcripts); c.1626+26_1626+28del (NM_001423260.1, NM_001042446.3); c.1749+26_1749+28del (NM_001190442.2, NM_001330631.2, NM_001423251.1 and 1 more transcripts); c.1980+26_1980+28del (NM_001042441.3); c.1941+26_1941+28del (NM_001330626.2); c.1971+26_1971+28del (NM_001042442.3); c.1914+26_1914+28del (NM_001042440.5); and 15 more.
Identifiers: ClinVar variation 402496 (VCV000402496.7), dbSNP rs59338324, ClinGen allele CA3351608.
Genomic context (GRCh38, chr5:96,765,327, plus strand): 5'-GTCTAGGACAAAGGCAGCCTGACCCAGATGAGAACAAACCAATGGAAGATAAAGTAAAGG[TAAA>T]AAAAAAAAAAAAAAAAAAAAAAATTCACTAATAGTGAAATTTTAATCCTTGGGTCTTGAC-3'

ClinVar aggregate classification (germline): Benign. Review status: criteria provided, multiple submitters, no conflicts (2 of 4 stars). 2 submissions from 2 submitters: Benign (2). Last evaluated 2021-06-09.

Submissions (2):

GeneDx
Classification: Benign. Last evaluated: 2021-06-09. Review status: criteria provided, single submitter. Criteria: GeneDx Variant Classification Process June 2021. Collection method: clinical testing. Allele origin: germline. Affected: yes.

Laboratory for Molecular Medicine, Mass General Brigham Personalized Medicine
Classification: Benign. Last evaluated: 2016-03-28. Review status: criteria provided, single submitter. Criteria: LMM Criteria. Collection method: clinical testing. Allele origin: germline.
Comment: Variant identified in a genome or exome case(s) and assessed due to predicted null impact of the variant or pathogenic assertions in the literature or databases. Disclaimer: This variant has not undergone full assessment. The following are preliminary notes: Frequency